The following is an entry in ClinVar:

ClinVar aggregate classification (germline): Benign/Likely benign. Review status: criteria provided, multiple submitters, no conflicts (2 of 4 stars). 2 submissions from 2 submitters: Benign (1); Likely benign (1). Last evaluated 2024-08-22.

Conditions:
Familial cancer of breast. Also called: BREAST CANCER, FAMILIAL; Hereditary breast cancer; hereditary breast carcinoma. Identifiers: Orphanet 227535, MedGen C0346153, MONDO:0016419, OMIM 114480. Disease mechanism: loss of function.
Fanconi anemia complementation group J. Also called: BRIP1-Related Fanconi Anemia. Identifiers: Orphanet 84, MedGen C1836860, MONDO:0012187, OMIM 609054.

Submissions (2):

Myriad Genetics, Inc.
Classification: Benign for Familial cancer of breast. Last evaluated: 2024-08-22. Review status: criteria provided, single submitter. Criteria: Myriad Autosomal Dominant, Autosomal Recessive and X-Linked Classification Criteria (2023). Collection method: clinical testing. Allele origin: unknown.
Comment: This variant is considered benign. This variant is a silent/synonymous amino acid change and it is not expected to impact splicing.

Labcorp Genetics (formerly Invitae), Labcorp
Classification: Likely benign for Familial cancer of breast; Fanconi anemia complementation group J. Last evaluated: 2024-01-18. Review status: criteria provided, single submitter. Criteria: Invitae Variant Classification Sherloc (09022015). Collection method: clinical testing. Allele origin: germline.

NM_032043.3(BRIP1):c.699T>C (p.Ile233=)

Gene: BRIP1 (BRCA1 interacting DNA helicase 1; minus strand). Cytogenetic location: 17q23.2.
Variant type: single nucleotide variant.
Coding change: c.699T>C on transcript NM_032043.3 (MANE Select); coding-DNA position 699, T replaced by C.
Protein change: p.Ile233=; no amino-acid change (isoleucine 233 retained).
Molecular consequence: synonymous variant.
Genome position (GRCh38, 1-based): chr17:61,808,686, A>G on the plus strand (T>C on the coding strand, the complement: BRIP1 is on the minus strand). VCF-style: chr17-61808686-A-G. GRCh37 (hg19) VCF-style: chr17-59886047-A-G.
Identifiers: ClinVar variation 2942218 (VCV002942218.4), dbSNP rs2145420644, ClinGen allele CA501335697.
Genomic context (GRCh38, chr17:61,808,686, plus strand): 5'-GTGTGTGCGTGTCCCAAAATATATTTTGGGTATCTTGGATTTCCCTGTATGATCCTTCTT[A>G]ATGGTATTCGATGACTCTTGACTGTTTCCTTGTTTAGTAGAACAACAGCACCTAGAACAG-3'
Protein context (NP_114432.2, residues 223-243): QGNSQESSNT[Ile233=]KKDHTGKSKI